The following is an entry in ClinVar:

ClinVar aggregate classification (germline): Conflicting classifications of pathogenicity. Review status: criteria provided, conflicting classifications (1 of 4 stars). 2 submissions from 2 submitters: Likely pathogenic (1); Uncertain significance (1). Last evaluated 2025-04-10.

Allele frequency attached by ClinVar (database versions not stated): gnomAD exomes below 0.00001; ExAC 0.00001.
gnomAD v4.1: 1 of 1,590,718 alleles (0.000063%); highest among the groups gnomAD compares: Non-Finnish European, 0.000086%; no homozygotes.

Submissions (2):

Women's Health and Genetics/Laboratory Corporation of America, LabCorp
Classification: Uncertain significance. Last evaluated: 2025-04-10. Review status: criteria provided, single submitter. Criteria: LabCorp Variant Classification Summary - May 2015. Collection method: clinical testing. Allele origin: germline.
Comment: Variant summary: OTOA c.635+5G>A alters a non-conserved nucleotide located close to a canonical splice site and therefore could affect mRNA splicing, leading to a significantly altered protein sequence. Several computational tools predict a significant impact on normal splicing: Four predict the variant abolishes the canonical 5' splicing donor site. However, these predictions have yet to be confirmed by functional studies. The variant allele was found at a frequency of 4.2e-06 in 239234 control chromosomes. The available data on variant occurrences in the general population are insufficient to allow any conclusion about variant significance. To our knowledge, no occurrence of c.635+5G>A in individuals affected with Autosomal Recessive Nonsyndromic Hearing Loss 22 and no experimental evidence demonstrating its impact on protein function have been reported. The following publication has been ascertained in the context of this evaluation (PMID: 36147510). ClinVar contains an entry for this variant (Variation ID: 1180092). Based on the evidence outlined above, the variant was classified as uncertain significance.

GeneDx
Classification: Likely pathogenic. Last evaluated: 2020-03-27. Review status: criteria provided, single submitter. Criteria: GeneDx Variant Classification Process June 2021. Collection method: clinical testing. Allele origin: germline. Affected: yes.
Comment: Intronic +5 splice site variant in a gene for which loss-of-function is a known mechanism of disease, and both in silico predictors and evolutionary conservation support a deleterious effect; Not observed in large population cohorts (Lek et al., 2016); Has not been previously published as pathogenic or benign to our knowledge

Literature cited by the submitters: PubMed 36147510 (cited by Women's Health and Genetics/Laboratory Corporation of America, LabCorp).

NM_144672.4(OTOA):c.635+5G>A

Gene: OTOA (otoancorin). Cytogenetic location: 16p12.2.
Variant type: single nucleotide variant.
Coding change: c.635+5G>A on transcript NM_144672.4 (MANE Select); 5 bases into the intron after coding-DNA position 635, G replaced by A.
Molecular consequence: intron variant.
Genome position (GRCh38, 1-based): chr16:21,687,653, G>A. VCF-style: chr16-21687653-G-A. GRCh37 (hg19) VCF-style: chr16-21698974-G-A.
Other names: c.398+5G>A (NM_001161683.2).
Identifiers: ClinVar variation 1180092 (VCV001180092.4), dbSNP rs772438764, ClinGen allele CA7952349.